The following is an entry in ClinVar:

NM_006084.5(IRF9):c.463A>C (p.Ser155Arg)

Gene: IRF9 (interferon regulatory factor 9; plus strand). Cytogenetic location: 14q12.
Variant type: single nucleotide variant.
Coding change: c.463A>C on transcript NM_006084.5 (MANE Select); coding-DNA position 463, A replaced by C.
Protein change: p.Ser155Arg; replaces serine 155 with arginine.
Molecular consequence: missense variant.
Genome position (GRCh38, 1-based): chr14:24,163,476, A>C. VCF-style: chr14-24163476-A-C. GRCh37 (hg19) VCF-style: chr14-24632685-A-C.
Other names: c.463A>C, p.Ser155Arg (NM_001385400.1, NM_001385401.1, NM_001385402.1); short protein forms S155R.
Identifiers: ClinVar variation 1418776 (VCV001418776.8), dbSNP rs2139103748, ClinGen allele CA389204001.

ClinVar aggregate classification (germline): Uncertain significance (1 of 4 stars; one submission).

Submission:

Labcorp Genetics (formerly Invitae), Labcorp
Classification: Uncertain significance. Last evaluated: 2022-06-13. Review status: criteria provided, single submitter. Criteria: Invitae Variant Classification Sherloc (09022015). Collection method: clinical testing. Allele origin: germline.
Comment: In summary, the available evidence is currently insufficient to determine the role of this variant in disease. Therefore, it has been classified as a Variant of Uncertain Significance. Algorithms developed to predict the effect of missense changes on protein structure and function output the following: SIFT: "Tolerated"; PolyPhen-2: "Possibly Damaging"; Align-GVGD: "Class C0". The arginine amino acid residue is found in multiple mammalian species, which suggests that this missense change does not adversely affect protein function. This variant has not been reported in the literature in individuals affected with IRF9-related conditions. This variant is not present in population databases (gnomAD no frequency). This sequence change replaces serine, which is neutral and polar, with arginine, which is basic and polar, at codon 155 of the IRF9 protein (p.Ser155Arg).